The following is an entry in ClinVar:

NM_007294.4(BRCA1):c.135-2458G>A

Gene: BRCA1 (BRCA1 DNA repair associated; minus strand). Cytogenetic location: 17q21.31.
Variant type: single nucleotide variant.
Coding change: c.135-2458G>A on transcript NM_007294.4 (MANE Select); 2458 bases into the intron before coding-DNA position 135, G replaced by A.
Molecular consequence: intron variant.
Genome position (GRCh38, 1-based): chr17:43,108,991, C>T on the plus strand (G>A on the coding strand, the complement: BRCA1 is on the minus strand). VCF-style: chr17-43108991-C-T. GRCh37 (hg19) VCF-style: chr17-41261008-C-T.
Other names: IVS 3-2458G>A; c.-7-2458G>A (NM_001408458.1, NM_001407931.1, NM_001407747.1 and 82 more transcripts); c.-218-14131G>A (NM_001407967.1, NM_001407966.1); c.-169-4035G>A (NM_001407959.1, NM_001407962.1, NM_001408512.1 and 3 more transcripts); c.-54-2458G>A (NM_001407885.1, NM_001407886.1, NM_001407898.1 and 56 more transcripts); c.-8+1474G>A (NM_001407746.1, NM_001408468.1, NM_001407842.1 and 14 more transcripts); c.135-2458G>A (NM_001407686.1, NM_001408397.1, NM_001407632.1 and 167 more transcripts); c.81-4035G>A (NM_001408451.1); and 3 more.
Identifiers: ClinVar variation 209501 (VCV000209501.2), dbSNP rs146059433, ClinGen allele CA276471.

ClinVar aggregate classification (germline): Benign (3 of 4 stars; one submission).

Conditions:
Breast-ovarian cancer, familial, susceptibility to, 1 (BROVCA1). Also called: BRCA1 Hereditary Breast and Ovarian Cancer; OVARIAN CANCER, SUSCEPTIBILITY TO. Identifiers: Orphanet 145, MedGen C2676676, MONDO:0011450, OMIM 604370. Disease mechanism: loss of function.

Allele frequency attached by ClinVar (database versions not stated): gnomAD 0.00299 and 0.00317; 1000 Genomes Project 0.00319; TOPMed 0.00331; 1000 Genomes Project 30x 0.00375.
gnomAD v4.1: 446 of 152,170 alleles (0.29%); highest among the groups gnomAD compares: African/African-American, 1%; 2 homozygotes.

Submission:

Evidence-based Network for the Interpretation of Germline Mutant Alleles (ENIGMA)
Classification: Benign for Breast-ovarian cancer, familial 1. Last evaluated: 2015-01-12. Review status: reviewed by expert panel. Criteria: ENIGMA BRCA1/2 Classification Criteria (2015). Collection method: curation. Allele origin: germline.
Comment: Class 1 not pathogenic based on frequency >1% in an outbred sampleset. Frequency 0.02033 (African), derived from 1000 genomes (2012-04-30).